The following is an entry in ClinVar:

NM_001903.5(CTNNA1):c.468+2T>C

Gene: CTNNA1 (catenin alpha 1; plus strand). Cytogenetic location: 5q31.2.
Variant type: single nucleotide variant.
Coding change: c.468+2T>C on transcript NM_001903.5 (MANE Select); the canonical splice donor site of the intron after coding-DNA position 468, T replaced by C.
Molecular consequence: splice donor variant.
Genome position (GRCh38, 1-based): chr5:138,810,206, T>C. VCF-style: chr5-138810206-T-C. GRCh37 (hg19) VCF-style: chr5-138145895-T-C.
Other names: c.468+2T>C (NM_001323982.2, NM_001323984.2, NM_001290307.3 and 3 more transcripts); c.99+2T>C (NM_001290310.3); c.159+2T>C (NM_001290309.3).
Identifiers: ClinVar variation 1427965 (VCV001427965.8), dbSNP rs1383495180, ClinGen allele CA361123828.

ClinVar aggregate classification (germline): Likely pathogenic (1 of 4 stars; one submission).

Allele frequency attached by ClinVar (database versions not stated): TOPMed below 0.00001; gnomAD 0.00001.
gnomAD v4.1: 1 of 1,613,666 alleles (0.000062%); highest among the groups gnomAD compares: African/African-American, 0.0013%; no homozygotes.

Submission:

Labcorp Genetics (formerly Invitae), Labcorp
Classification: Likely pathogenic. Last evaluated: 2023-05-15. Review status: criteria provided, single submitter. Criteria: Invitae Variant Classification Sherloc (09022015). Collection method: clinical testing. Allele origin: germline.
Comment: In summary, the currently available evidence indicates that the variant is pathogenic, but additional data are needed to prove that conclusively. Therefore, this variant has been classified as Likely Pathogenic. Algorithms developed to predict the effect of sequence changes on RNA splicing suggest that this variant may disrupt the consensus splice site. ClinVar contains an entry for this variant (Variation ID: 1427965). This variant has not been reported in the literature in individuals affected with CTNNA1-related conditions. This variant is not present in population databases (gnomAD no frequency). This sequence change affects a donor splice site in intron 4 of the CTNNA1 gene. It is expected to disrupt RNA splicing. Variants that disrupt the donor or acceptor splice site typically lead to a loss of protein function (PMID: 16199547), and loss-of-function variants in CTNNA1 are known to be pathogenic (PMID: 32051609, 34425242).

Literature cited by the submitters: PubMed 16199547; PubMed 32051609; PubMed 34425242.